The following is an entry in ClinVar:

NM_005359.6(SMAD4):c.1530A>G (p.Gly510=)

Gene: SMAD4 (SMAD family member 4; plus strand). Cytogenetic location: 18q21.2.
Variant type: single nucleotide variant.
Coding change: c.1530A>G on transcript NM_005359.6 (MANE Select); coding-DNA position 1530, A replaced by G.
Protein change: p.Gly510=; no amino-acid change (glycine 510 retained).
Molecular consequence: synonymous variant.
Genome position (GRCh38, 1-based): chr18:51,078,338, A>G. VCF-style: chr18-51078338-A-G. GRCh37 (hg19) VCF-style: chr18-48604708-A-G.
Identifiers: ClinVar variation 631265 (VCV000631265.13), dbSNP rs1568211560, ClinGen allele CA503874008.

ClinVar aggregate classification (germline): Benign/Likely benign. Review status: criteria provided, multiple submitters, no conflicts (2 of 4 stars). 4 submissions from 4 submitters: Benign (1); Likely benign (3). Last evaluated 2025-09-21.

Conditions:
Juvenile polyposis syndrome (JPS). Identifiers: Orphanet 2929, MedGen C0345893, MONDO:0017380, OMIM 174900.
Hereditary cancer-predisposing syndrome. Also called: Hereditary neoplastic syndrome; Neoplastic Syndromes, Hereditary; Tumor predisposition; Hereditary Cancer Syndrome. Identifiers: Orphanet 140162, MedGen C0027672, MeSH D009386, MONDO:0015356.
Familial thoracic aortic aneurysm and aortic dissection (TAAD). Also called: Thoracic aortic aneurysms and dissections. Identifiers: Orphanet 91387, MedGen C4707243, MONDO:0019625.
Juvenile polyposis/hereditary hemorrhagic telangiectasia syndrome (JPHT). Also called: Juvenile Polyposis Syndrome / Hereditary Hemorrhagic Telangiectasia (JPS/HHT); JP/HHT SYNDROME; JUVENILE POLYPOSIS WITH HEREDITARY HEMORRHAGIC TELANGIECTASIA; POLYPOSIS, GENERALIZED JUVENILE, WITH PULMONARY ARTERIOVENOUS MALFORMATION; TELANGIECTASIA, HEREDITARY HEMORRHAGIC, WITH JUVENILE POLYPOSIS COLI. Identifiers: Orphanet 2929, MedGen C1832942, MONDO:0008278, OMIM 175050.

Submissions (4):

Labcorp Genetics (formerly Invitae), Labcorp
Classification: Likely benign for Juvenile polyposis syndrome. Last evaluated: 2025-09-21. Review status: criteria provided, single submitter. Criteria: Invitae Variant Classification Sherloc (09022015). Collection method: clinical testing. Allele origin: germline.

Myriad Genetics, Inc.
Classification: Benign for Juvenile polyposis/hereditary hemorrhagic telangiectasia syndrome. Last evaluated: 2025-03-24. Review status: criteria provided, single submitter. Criteria: Myriad Autosomal Dominant, Autosomal Recessive and X-Linked Classification Criteria (2023). Collection method: clinical testing. Allele origin: unknown.
Comment: This variant is considered benign. This variant is a silent/synonymous amino acid change and it is not expected to impact splicing.

Ambry Genetics
Classification: Likely benign for Hereditary cancer-predisposing syndrome; Familial thoracic aortic aneurysm and aortic dissection. Last evaluated: 2023-07-18. Review status: criteria provided, single submitter. Criteria: Ambry Variant Classification Scheme 2023. Collection method: clinical testing. Allele origin: germline.

Color Diagnostics, LLC DBA Color Health
Classification: Likely benign for Hereditary cancer-predisposing syndrome. Last evaluated: 2018-02-06. Review status: criteria provided, single submitter. Criteria: ACMG Guidelines, 2015. Collection method: clinical testing. Allele origin: germline.